The following is an entry in ClinVar:

NM_014714.4(IFT140):c.2650C>G (p.Arg884Gly)

Gene: IFT140 (intraflagellar transport 140; minus strand). Cytogenetic location: 16p13.3.
Variant type: single nucleotide variant.
Coding change: c.2650C>G on transcript NM_014714.4 (MANE Select); coding-DNA position 2650, C replaced by G.
Protein change: p.Arg884Gly; replaces arginine 884 with glycine.
Molecular consequence: missense variant.
Genome position (GRCh38, 1-based): chr16:1,526,005, G>C on the plus strand (C>G on the coding strand, the complement: IFT140 is on the minus strand). VCF-style: chr16-1526005-G-C. GRCh37 (hg19) VCF-style: chr16-1576006-G-C.
Other names: short protein forms R884G.
Identifiers: ClinVar variation 635439 (VCV000635439.9), dbSNP rs554196965, ClinGen allele CA7813544.
Genomic context (GRCh38, chr16:1,526,005, plus strand): 5'-AGGTGCTGCGCAGGTGCACGCGATCGTGGTGCTCGGCTACCTGGAGGGCCTCCTGCCACC[G>C]GCCCGCAGCCTGGTAGAACTTGTTCAGGAGGTCGTGGCGCTTGCACTTCCTGTACAGCTG-3'
Protein context (NP_055529.2, residues 874-894): LLNKFYQAAG[Arg884Gly]WQEALQVAEH

ClinVar aggregate classification (germline): Uncertain significance. Review status: criteria provided, multiple submitters, no conflicts (2 of 4 stars). 4 submissions from 4 submitters: Uncertain significance (3). 1 of the submissions does not count toward it. Last evaluated 2025-04-16.

Conditions:
Retinitis pigmentosa 80 (RP80). Identifiers: MedGen C4540439, MONDO:0054708, OMIM 617781.
Saldino-Mainzer syndrome (SRTD9). Also called: SHORT-RIB THORACIC DYSPLASIA 9 WITHOUT POLYDACTYLY; CONORENAL SYNDROME; short-rib thoracic dysplasia 9 with or without polydactyly; Renal dysplasia, retinal pigmentary dystrophy, cerebellar ataxia and skeletal dysplasia. Identifiers: Orphanet 140969, MedGen C1849437, MONDO:0009964, OMIM 266920.

Allele frequency attached by ClinVar (database versions not stated): TOPMed 0.00002.
gnomAD v4.1: 13 of 1,600,676 alleles (0.00081%); highest among the groups gnomAD compares: Admixed American, 0.0034%; no homozygotes.

Submissions (4):

Labcorp Genetics (formerly Invitae), Labcorp
Classification: Uncertain significance for Saldino-Mainzer syndrome. Last evaluated: 2025-04-16. Review status: criteria provided, single submitter. Criteria: Invitae Variant Classification Sherloc (09022015). Collection method: clinical testing. Allele origin: germline.
Comment: This sequence change replaces arginine, which is basic and polar, with glycine, which is neutral and non-polar, at codon 884 of the IFT140 protein (p.Arg884Gly). This variant is present in population databases (rs554196965, gnomAD 0.003%). This variant has not been reported in the literature in individuals affected with IFT140-related conditions. ClinVar contains an entry for this variant (Variation ID: 635439). Invitae Evidence Modeling of protein sequence and biophysical properties (such as structural, functional, and spatial information, amino acid conservation, physicochemical variation, residue mobility, and thermodynamic stability) indicates that this missense variant is not expected to disrupt IFT140 protein function with a negative predictive value of 95%. In summary, the available evidence is currently insufficient to determine the role of this variant in disease. Therefore, it has been classified as a Variant of Uncertain Significance.

Blueprint Genetics
Classification: Uncertain significance. Last evaluated: 2022-11-10. Review status: criteria provided, single submitter. Criteria: ACMG Guidelines, 2015. Collection method: clinical testing. Allele origin: germline.

Fulgent Genetics
Classification: Uncertain significance for Saldino-Mainzer syndrome; Retinitis pigmentosa 80. Last evaluated: 2022-02-03. Review status: criteria provided, single submitter. Criteria: ACMG Guidelines, 2015. Collection method: clinical testing. Allele origin: unknown.

Bioscientia Institut fuer Medizinische Diagnostik GmbH, Sonic Healthcare
Classification: Likely pathogenic for Retinitis pigmentosa 80. Last evaluated: 2018-11-05. Review status: no assertion criteria provided. Collection method: clinical testing. Allele origin: germline. Affected: yes. Not counted in ClinVar's aggregate classification.